The following is an entry in ClinVar:

ClinVar aggregate classification (germline): Uncertain significance (1 of 4 stars; one submission).

Conditions:
Cardiovascular phenotype. Identifiers: MedGen CN230736.

Allele frequency attached by ClinVar (database versions not stated): gnomAD exomes below 0.00001.
gnomAD v4.1: 2 of 1,613,496 alleles (0.00012%); highest among the groups gnomAD compares: Middle Eastern, 0.033%; no homozygotes.

Submission:

Ambry Genetics
Classification: Uncertain significance for Cardiovascular phenotype. Last evaluated: 2023-02-28. Review status: criteria provided, single submitter. Criteria: Ambry Variant Classification Scheme 2023. Collection method: clinical testing. Allele origin: germline.
Comment: The p.D277H variant (also known as c.829G>C), located in coding exon 8 of the ANKRD1 gene, results from a G to C substitution at nucleotide position 829. The aspartic acid at codon 277 is replaced by histidine, an amino acid with similar properties. This amino acid position is conserved. In addition, this alteration is predicted to be tolerated by in silico analysis. Since supporting evidence is limited at this time, the clinical significance of this alteration remains unclear.

NM_014391.3(ANKRD1):c.829G>C (p.Asp277His)

Gene: ANKRD1 (ankyrin repeat domain 1; minus strand). Cytogenetic location: 10q23.31.
Variant type: single nucleotide variant.
Coding change: c.829G>C on transcript NM_014391.3 (MANE Select); coding-DNA position 829, G replaced by C.
Protein change: p.Asp277His; replaces aspartic acid 277 with histidine.
Molecular consequence: missense variant.
Genome position (GRCh38, 1-based): chr10:90,915,563, C>G on the plus strand (G>C on the coding strand, the complement: ANKRD1 is on the minus strand). VCF-style: chr10-90915563-C-G. GRCh37 (hg19) VCF-style: chr10-92675320-C-G.
Other names: short protein forms D277H.
Identifiers: ClinVar variation 3226313 (VCV003226313.1), dbSNP rs1159310139, ClinGen allele CA377549602.